The following is an entry in ClinVar:

NM_213720.3(CHCHD10):c.137C>A (p.Ala46Asp)

Gene: CHCHD10 (coiled-coil-helix-coiled-coil-helix domain containing 10; minus strand). Cytogenetic location: 22q11.23.
Variant type: single nucleotide variant.
Coding change: c.137C>A on transcript NM_213720.3 (MANE Select); coding-DNA position 137, C replaced by A.
Protein change: p.Ala46Asp; replaces alanine 46 with aspartic acid.
Molecular consequence: missense variant. On other transcripts: non-coding transcript variant (1).
Genome position (GRCh38, 1-based): chr22:23,767,498, G>T on the plus strand (C>A on the coding strand, the complement: CHCHD10 is on the minus strand). VCF-style: chr22-23767498-G-T. GRCh37 (hg19) VCF-style: chr22-24109685-G-T.
Other names: c.137C>A, p.Ala46Asp (NM_001301339.2); short protein forms A46D.
Identifiers: ClinVar variation 2949124 (VCV002949124.3), dbSNP rs1453309063, ClinGen allele CA410916553.

ClinVar aggregate classification (germline): Uncertain significance (1 of 4 stars; one submission).

Conditions:
Lower motor neuron syndrome with late-adult onset (SMAJ). Also called: Spinal muscular atrophy, Jokela type; Late-Onset Spinal Motor Neuronopathy (SMAJ). Identifiers: Orphanet 276435, MedGen C3554398, MONDO:0014025, OMIM 615048.
Autosomal dominant mitochondrial myopathy with exercise intolerance (IMMD). Also called: Myopathy, isolated mitochondrial, autosomal dominant. Identifiers: Orphanet 457050, MedGen C4015513, MONDO:0014532, OMIM 616209.
Frontotemporal dementia and/or amyotrophic lateral sclerosis 2. Also called: FTDALS2. Identifiers: Orphanet 275872, MedGen C4014648, MONDO:0014395, OMIM 615911.

Allele frequency attached by ClinVar (database versions not stated): TOPMed 0.00001.

Submission:

Labcorp Genetics (formerly Invitae), Labcorp
Classification: Uncertain significance for Lower motor neuron syndrome with late-adult onset; Frontotemporal dementia and/or amyotrophic lateral sclerosis 2; Autosomal dominant mitochondrial myopathy with exercise intolerance. Last evaluated: 2023-08-23. Review status: criteria provided, single submitter. Criteria: Invitae Variant Classification Sherloc (09022015). Collection method: clinical testing. Allele origin: germline.
Comment: An algorithm developed to predict the effect of missense changes on protein structure and function (PolyPhen-2) suggests that this variant is likely to be disruptive. In summary, the available evidence is currently insufficient to determine the role of this variant in disease. Therefore, it has been classified as a Variant of Uncertain Significance. This variant has not been reported in the literature in individuals affected with CHCHD10-related conditions. This variant is not present in population databases (gnomAD no frequency). This sequence change replaces alanine, which is neutral and non-polar, with aspartic acid, which is acidic and polar, at codon 46 of the CHCHD10 protein (p.Ala46Asp).